The following is an entry in ClinVar:

ClinVar aggregate classification (germline): Uncertain significance (1 of 4 stars; one submission).

gnomAD v4.1: 1 of 1,613,466 alleles (0.000062%); highest among the groups gnomAD compares: Non-Finnish European, 0.000085%; no homozygotes.

Submission:

Ambry Genetics
Classification: Uncertain significance. Last evaluated: 2025-01-20. Review status: criteria provided, single submitter. Criteria: Ambry Variant Classification Scheme 2023. Collection method: clinical testing. Allele origin: germline.
Comment: The p.K721R variant (also known as c.2162A>G), located in coding exon 4 of the CDK12 gene, results from an A to G substitution at nucleotide position 2162. The lysine at codon 721 is replaced by arginine, an amino acid with highly similar properties. This amino acid position is conserved. In addition, this alteration is predicted to be tolerated by in silico analysis. Based on the available evidence, the clinical significance of this variant remains unclear.

NM_016507.4(CDK12):c.2162A>G (p.Lys721Arg)

Gene: CDK12 (cyclin dependent kinase 12; plus strand). Cytogenetic location: 17q12.
Variant type: single nucleotide variant.
Coding change: c.2162A>G on transcript NM_016507.4 (MANE Select); coding-DNA position 2162, A replaced by G.
Protein change: p.Lys721Arg; replaces lysine 721 with arginine.
Molecular consequence: missense variant.
Genome position (GRCh38, 1-based): chr17:39,492,804, A>G. VCF-style: chr17-39492804-A-G. GRCh37 (hg19) VCF-style: chr17-37649057-A-G.
Other names: c.2162A>G, p.Lys721Arg (NM_015083.4); short protein forms K721R.
Identifiers: ClinVar variation 3830543 (VCV003830543.1).
Genomic context (GRCh38, chr17:39,492,804, plus strand): 5'-TTTTTAGAATTTGTTGTCCTCGTTATGGAGAAAGAAGACAAACAGAAAGCGACTGGGGGA[A>G]ACGCTGTGTGGACAAGTTTGACATTATTGGGATTATTGGAGAAGGAACCTATGGCCAAGT-3'
Protein context (NP_057591.2, residues 711-731): ERRQTESDWG[Lys721Arg]RCVDKFDIIG